The following is an entry in ClinVar:

ClinVar aggregate classification (germline): Uncertain significance (1 of 4 stars; one submission).

Allele frequency attached by ClinVar (database versions not stated): gnomAD exomes below 0.00001 and 0.00001; gnomAD 0.00001.
gnomAD v4.1: 5 of 1,613,790 alleles (0.00031%); highest among the groups gnomAD compares: African/African-American, 0.0013%; no homozygotes.

Submission:

Labcorp Genetics (formerly Invitae), Labcorp
Classification: Uncertain significance. Last evaluated: 2021-01-18. Review status: criteria provided, single submitter. Criteria: Invitae Variant Classification Sherloc (09022015). Collection method: clinical testing. Allele origin: germline.
Comment: In summary, the available evidence is currently insufficient to determine the role of this variant in disease. Therefore, it has been classified as a Variant of Uncertain Significance. Algorithms developed to predict the effect of missense changes on protein structure and function are either unavailable or do not agree on the potential impact of this missense change (SIFT: "Deleterious"; PolyPhen-2: "Probably Damaging"; Align-GVGD: "Class C0"). This variant has not been reported in the literature in individuals with ERCC3-related conditions. This variant is not present in population databases (ExAC no frequency). This sequence change replaces lysine with arginine at codon 557 of the ERCC3 protein (p.Lys557Arg). The lysine residue is highly conserved and there is a small physicochemical difference between lysine and arginine.

NM_000122.2(ERCC3):c.1670A>G (p.Lys557Arg)

Gene: ERCC3 (ERCC excision repair 3, TFIIH core complex helicase subunit; minus strand). Cytogenetic location: 2q14.3.
Variant type: single nucleotide variant.
Coding change: c.1670A>G on transcript NM_000122.2 (MANE Select); coding-DNA position 1670, A replaced by G.
Protein change: p.Lys557Arg; replaces lysine 557 with arginine.
Molecular consequence: missense variant.
Genome position (GRCh38, 1-based): chr2:127,279,233, T>C on the plus strand (A>G on the coding strand, the complement: ERCC3 is on the minus strand). VCF-style: chr2-127279233-T-C. GRCh37 (hg19) VCF-style: chr2-128036809-T-C.
Other names: c.1478A>G, p.Lys493Arg (NM_001303416.2, NM_001303418.2); short protein forms K493R, K557R.
Identifiers: ClinVar variation 1441924 (VCV001441924.8), dbSNP rs1445759342, ClinGen allele CA348388411.
Genomic context (GRCh38, chr2:127,279,233, plus strand): 5'-TTGTTCAGTCGAATGGCATATTCCTTTAGGGCAAACACATTGTCAGCAAAGACAATAATC[T>C]TGTCATTCCTCCTTTCATGAAACTTGATCAGAAACTGGCAAGCTCTAAATTTGTTGGGGT-3'
Protein context (NP_000113.1, residues 547-567): LIKFHERRND[Lys557Arg]IIVFADNVFA